The following is an entry in ClinVar:

NM_001099922.3(ALG13):c.2048A>G (p.Lys683Arg)

Gene: ALG13 (ALG13 UDP-N-acetylglucosaminyltransferase subunit; plus strand). Cytogenetic location: Xq23.
Variant type: single nucleotide variant.
Coding change: c.2048A>G on transcript NM_001099922.3 (MANE Select); coding-DNA position 2048, A replaced by G.
Protein change: p.Lys683Arg; replaces lysine 683 with arginine.
Molecular consequence: missense variant. On other transcripts: non-coding transcript variant (1).
Genome position (GRCh38, 1-based): chrX:111,727,403, A>G. VCF-style: chrX-111727403-A-G. GRCh37 (hg19) VCF-style: chrX-110970631-A-G.
Other names: c.1736A>G, p.Lys579Arg (NM_001257230.2, NM_001257234.2, NM_001257237.2); c.1814A>G, p.Lys605Arg (NM_001257231.2); c.2048A>G, p.Lys683Arg (NM_001324292.2); c.1562A>G, p.Lys521Arg (NM_001324293.1); short protein forms K521R, K579R, K605R, K683R.
Identifiers: ClinVar variation 1016889 (VCV001016889.9), dbSNP rs1942189933, ClinGen allele CA414253135.
Genomic context (GRCh38, chrX:111,727,403, plus strand): 5'-GGTTTATAAACAGGCACAACATGCCGGGCCCTAAAGTTGATTTTTACCCAGGCCCAGGTA[A>G]AAGGTGCTGCCAGAGCTATGATAACTTCTCTTATAGATCTCGGTAAGTATTGTGTTGAAA-3'
Protein context (NP_001093392.1, residues 673-693): PKVDFYPGPG[Lys683Arg]RCCQSYDNFS

ClinVar aggregate classification (germline): Uncertain significance (1 of 4 stars; one submission).

Conditions:
Developmental and epileptic encephalopathy, 36 (DEE36). Also called: ALG13-CDG; Epileptic encephalopathy, early infantile, 36; Congenital disorder of glycosylation, type Is. Identifiers: Orphanet 324422, MedGen C4317295, MONDO:0010472, OMIM 300884.

Submission:

Labcorp Genetics (formerly Invitae), Labcorp
Classification: Uncertain significance for Developmental and epileptic encephalopathy, 36. Last evaluated: 2020-10-20. Review status: criteria provided, single submitter. Criteria: Invitae Variant Classification Sherloc (09022015). Collection method: clinical testing. Allele origin: germline.
Comment: Algorithms developed to predict the effect of missense changes on protein structure and function output the following: SIFT: "Tolerated"; PolyPhen-2: "Benign"; Align-GVGD: "Class C0". The arginine amino acid residue is found in multiple mammalian species, suggesting that this missense change does not adversely affect protein function. These predictions have not been confirmed by published functional studies and their clinical significance is uncertain. This variant has not been reported in the literature in individuals with ALG13-related conditions. This variant is not present in population databases (ExAC no frequency). This sequence change replaces lysine with arginine at codon 683 of the ALG13 protein (p.Lys683Arg). The lysine residue is highly conserved and there is a small physicochemical difference between lysine and arginine. In summary, the available evidence is currently insufficient to determine the role of this variant in disease. Therefore, it has been classified as a Variant of Uncertain Significance.